The following is an entry in ClinVar:

ClinVar aggregate classification (germline): Uncertain significance (1 of 4 stars; one submission).

Conditions:
Immunodeficiency, common variable, 12 (CVID12). Also called: IMMUNODEFICIENCY, COMMON VARIABLE, 12, WITH AUTOIMMUNITY; NFKB1 DEFICIENCY. Identifiers: Orphanet 1572, Orphanet 696874, MedGen C4225277, MONDO:0014697, OMIM 616576.

Allele frequency attached by ClinVar (database versions not stated): ExAC 0.00001; gnomAD exomes 0.00001.
gnomAD v4.1: 3 of 1,614,120 alleles (0.00019%); highest among the groups gnomAD compares: Admixed American, 0.0033%; no homozygotes.

Submission:

Baylor Genetics
Classification: Uncertain significance for Immunodeficiency, common variable, 12. Last evaluated: 2019-09-26. Review status: criteria provided, single submitter. Criteria: ACMG Guidelines, 2015. Collection method: clinical testing. Allele origin: unknown. Affected: yes.
Comment: This variant was determined to be of uncertain significance according to ACMG Guidelines, 2015 [PMID:25741868].

NM_003998.4(NFKB1):c.671G>A (p.Ser224Asn)

Gene: NFKB1 (nuclear factor kappa B subunit 1; plus strand). Cytogenetic location: 4q24.
Variant type: single nucleotide variant.
Coding change: c.671G>A on transcript NM_003998.4 (MANE Select); coding-DNA position 671, G replaced by A.
Protein change: p.Ser224Asn; replaces serine 224 with asparagine.
Molecular consequence: missense variant.
Genome position (GRCh38, 1-based): chr4:102,578,980, G>A. VCF-style: chr4-102578980-G-A. GRCh37 (hg19) VCF-style: chr4-103500137-G-A.
Other names: c.668G>A, p.Ser223Asn (NM_001165412.2, NM_001319226.2, NM_001382627.1); c.671G>A, p.Ser224Asn (NM_001382625.1, NM_001382626.1); c.629G>A, p.Ser210Asn (NM_001382628.1); short protein forms S210N, S224N, S223N.
Identifiers: ClinVar variation 1029787 (VCV001029787.1), dbSNP rs778125529, ClinGen allele CA3025944.